The following is an entry in ClinVar:

NM_001904.4(CTNNB1):c.2323G>T (p.Ala775Ser)

Gene: CTNNB1 (catenin beta 1; plus strand). Cytogenetic location: 3p22.1.
Variant type: single nucleotide variant.
Coding change: c.2323G>T on transcript NM_001904.4 (MANE Select); coding-DNA position 2323, G replaced by T.
Protein change: p.Ala775Ser; replaces alanine 775 with serine.
Molecular consequence: missense variant.
Genome position (GRCh38, 1-based): chr3:41,239,319, G>T. VCF-style: chr3-41239319-G-T. GRCh37 (hg19) VCF-style: chr3-41280810-G-T.
Other names: c.2323G>T, p.Ala775Ser (NM_001098209.2, NM_001098210.2); c.2302G>T, p.Ala768Ser (NM_001330729.2); short protein forms A775S, A768S.
Identifiers: ClinVar variation 2861055 (VCV002861055.3), dbSNP rs1312540894, ClinGen allele CA352237657.
Genomic context (GRCh38, chr3:41,239,319, plus strand): 5'-GATCTGGGGCATGCCCAGGACCTCATGGATGGGCTGCCTCCAGGTGACAGCAATCAGCTG[G>T]CCTGGTTTGATACTGACCTGTAAATCATCCTTTAGGTAAGAAGTTTTAAAAAGCCAGTTT-3'
Protein context (NP_001895.1, residues 765-781): GLPPGDSNQL[Ala775Ser]WFDTDL

ClinVar aggregate classification (germline): Uncertain significance (1 of 4 stars; one submission).

Allele frequency attached by ClinVar (database versions not stated): gnomAD exomes below 0.00001.
gnomAD v4.1: 1 of 1,614,126 alleles (0.000062%); no homozygotes.

Submission:

Labcorp Genetics (formerly Invitae), Labcorp
Classification: Uncertain significance. Last evaluated: 2023-05-01. Review status: criteria provided, single submitter. Criteria: Invitae Variant Classification Sherloc (09022015). Collection method: clinical testing. Allele origin: germline.
Comment: In summary, the available evidence is currently insufficient to determine the role of this variant in disease. Therefore, it has been classified as a Variant of Uncertain Significance. An algorithm developed to predict the effect of missense changes on protein structure and function (PolyPhen-2) suggests that this variant is likely to be tolerated. This variant has not been reported in the literature in individuals affected with CTNNB1-related conditions. This variant is present in population databases (no rsID available, gnomAD 0.01%). This sequence change replaces alanine, which is neutral and non-polar, with serine, which is neutral and polar, at codon 775 of the CTNNB1 protein (p.Ala775Ser).